The following is an entry in ClinVar:

NM_000237.3(LPL):c.775G>A (p.Asp259Asn)

Gene: LPL (lipoprotein lipase; plus strand). Cytogenetic location: 8p21.3.
Variant type: single nucleotide variant.
Coding change: c.775G>A on transcript NM_000237.3 (MANE Select); coding-DNA position 775, G replaced by A.
Protein change: p.Asp259Asn; replaces aspartic acid 259 with asparagine.
Molecular consequence: missense variant.
Genome position (GRCh38, 1-based): chr8:19,954,353, G>A. VCF-style: chr8-19954353-G-A. GRCh37 (hg19) VCF-style: chr8-19811864-G-A.
Other names: short protein forms D259N.
Identifiers: ClinVar variation 2415139 (VCV002415139.4), dbSNP rs1238991522, ClinGen allele CA370468814.
Genomic context (GRCh38, chr8:19,954,353, plus strand): 5'-TTTCAGCCAGGATGTAACATTGGAGAAGCTATCCGCGTGATTGCAGAGAGAGGACTTGGA[G>A]GTAAATATTATTTAGAAGCGAATTAAATGTGACTCTTATCCTTAACCCTTATTGACCCAA-3'
Protein context (NP_000228.1, residues 249-269): IRVIAERGLG[Asp259Asn]VDQLVKCSHE

ClinVar aggregate classification (germline): Uncertain significance. Review status: criteria provided, multiple submitters, no conflicts (2 of 4 stars). 2 submissions from 2 submitters: Uncertain significance (2). Last evaluated 2025-08-20.

Conditions:
Hyperlipoproteinemia, type I. Also called: HYPERLIPOPROTEINEMIA, TYPE IA; LPL DEFICIENCY; Lipase D deficiency; Familial Lipoprotein Lipase Deficiency; Familial hyperlipo-proteinemia type 1; Hyperlipemia essential familial. Identifiers: Orphanet 309015, Orphanet 444490, MedGen C0023817, MONDO:0009387, OMIM 238600. Disease mechanism: loss of function.

Allele frequency attached by ClinVar (database versions not stated): gnomAD exomes below 0.00001.
gnomAD v4.1: 6 of 1,612,398 alleles (0.00037%); highest among the groups gnomAD compares: East Asian, 0.0022%; no homozygotes.

Submissions (2):

Cardiovascular Genetics Laboratory, PathWest Laboratory Medicine WA - Fiona Stanley Hospital
Classification: Uncertain significance for Hyperlipoproteinemia, type I. Last evaluated: 2025-08-20. Review status: criteria provided, single submitter. Criteria: ACMG Guidelines, 2015. Collection method: clinical testing. Allele origin: germline. Affected: yes.

Labcorp Genetics (formerly Invitae), Labcorp
Classification: Uncertain significance. Last evaluated: 2022-01-28. Review status: criteria provided, single submitter. Criteria: Invitae Variant Classification Sherloc (09022015). Collection method: clinical testing. Allele origin: germline.
Comment: This sequence change affects codon 259 of the LPL mRNA. It is a 'silent' change, meaning that it does not change the encoded amino acid sequence of the LPL protein. This variant also falls at the last nucleotide of exon 5, which is part of the consensus splice site for this exon. This variant is present in population databases (no rsID available, gnomAD 0.006%). This variant has not been reported in the literature in individuals affected with LPL-related conditions. Algorithms developed to predict the effect of missense changes on protein structure and function (SIFT, PolyPhen-2, Align-GVGD) all suggest that this variant is likely to be tolerated. Variants that disrupt the consensus splice site are a relatively common cause of aberrant splicing (PMID: 17576681, 9536098). Algorithms developed to predict the effect of sequence changes on RNA splicing suggest that this variant may disrupt the consensus splice site. In summary, the available evidence is currently insufficient to determine the role of this variant in disease. Therefore, it has been classified as a Variant of Uncertain Significance.

Literature cited by the submitters: PubMed 30466821 (cited by Cardiovascular Genetics Laboratory, PathWest Laboratory Medicine WA - Fiona Stanley Hospital); PubMed 17576681 (cited by Labcorp Genetics (formerly Invitae), Labcorp); PubMed 9536098 (cited by Labcorp Genetics (formerly Invitae), Labcorp).